The following is an entry in ClinVar:

ClinVar aggregate classification (germline): Benign/Likely benign. Review status: criteria provided, multiple submitters, no conflicts (2 of 4 stars). 10 submissions from 8 submitters: Benign (7); Likely benign (2). 1 of the submissions does not count toward it. Last evaluated 2026-02-03.

Conditions:
Usher syndrome type 1 (USH1). Also called: RETINITIS PIGMENTOSA AND CONGENITAL DEAFNESS. Identifiers: Orphanet 231169, Orphanet 886, MedGen C1568247, MONDO:0010168, OMIM 276900.
Autosomal recessive nonsyndromic hearing loss 12. Also called: DEAFNESS, AUTOSOMAL RECESSIVE 12. Identifiers: Orphanet 90636, MedGen C1832394, MONDO:0011067, OMIM 601386.
Usher syndrome type 1D (USH1D). Also called: USHER SYNDROME, TYPE ID. Identifiers: Orphanet 231169, Orphanet 886, MedGen C1832845, MONDO:0010984, OMIM 601067.

Allele frequency attached by ClinVar (database versions not stated): ExAC 0.01281; gnomAD 0.01726 and 0.01789; TOPMed 0.02005; 1000 Genomes Project 30x 0.03857; 1000 Genomes Project 0.03974; gnomAD exomes 0.01211; ESP Exome Variant Server 0.01286.
gnomAD v4.1: 9,568 of 1,613,816 alleles (0.59%); highest among the groups gnomAD compares: East Asian, 7.4%; 213 homozygotes.

Submissions (10):

Labcorp Genetics (formerly Invitae), Labcorp
Classification: Benign. Last evaluated: 2026-02-03. Review status: criteria provided, single submitter. Criteria: Invitae Variant Classification Sherloc (09022015). Collection method: clinical testing. Allele origin: germline.

ARUP Laboratories, Molecular Genetics and Genomics, ARUP Laboratories
Classification: Benign. Last evaluated: 2023-10-09. Review status: criteria provided, single submitter. Criteria: ARUP Molecular Germline Variant Investigation Process 2024. Collection method: clinical testing. Allele origin: germline.

Genome-Nilou Lab
Classification: Benign for Usher syndrome type 1D. Last evaluated: 2021-07-01. Review status: criteria provided, single submitter. Criteria: ACMG Guidelines, 2015. Collection method: clinical testing. Allele origin: germline. Affected: no.

Genome-Nilou Lab
Classification: Benign for Autosomal recessive nonsyndromic hearing loss 12. Last evaluated: 2021-07-01. Review status: criteria provided, single submitter. Criteria: ACMG Guidelines, 2015. Collection method: clinical testing. Allele origin: germline. Affected: no.

Illumina Laboratory Services, Illumina
Classification: Benign for Usher syndrome type 1D. Last evaluated: 2018-01-12. Review status: criteria provided, single submitter. Criteria: ICSL Variant Classification Criteria 13 December 2019. Collection method: clinical testing. Allele origin: germline.
Comment: This variant was observed in the ICSL laboratory as part of a predisposition screen in an ostensibly healthy population. It had not been previously curated by ICSL or reported in the Human Gene Mutation Database (HGMD: prior to June 1st, 2018), and was therefore a candidate for classification through an automated scoring system. Utilizing variant allele frequency, disease prevalence and penetrance estimates, and inheritance mode, an automated score was calculated to assess if this variant is too frequent to cause the disease. Based on the score and internal cut-off values, a variant classified as benign is not then subjected to further curation. The score for this variant resulted in a classification of benign for this disease.

Illumina Laboratory Services, Illumina
Classification: Likely benign for Autosomal recessive nonsyndromic hearing loss 12. Last evaluated: 2018-01-12. Review status: criteria provided, single submitter. Criteria: ICSL Variant Classification Criteria 13 December 2019. Collection method: clinical testing. Allele origin: germline.
Comment: This variant was observed in the ICSL laboratory as part of a predisposition screen in an ostensibly healthy population. It had not been previously curated by ICSL or reported in the Human Gene Mutation Database (HGMD: prior to June 1st, 2018), and was therefore a candidate for classification through an automated scoring system. Utilizing variant allele frequency, disease prevalence and penetrance estimates, and inheritance mode, an automated score was calculated to assess if this variant is too frequent to cause the disease. Based on the score and internal cut-off values, a variant classified as likely benign is not then subjected to further curation. The score for this variant resulted in a classification of likely benign for this disease.

GeneDx
Classification: Benign. Last evaluated: 2013-04-08. Review status: criteria provided, single submitter. Criteria: GeneDx Variant Classification (06012015). Collection method: clinical testing. Allele origin: germline. Affected: yes.
Comment: This variant is considered likely benign or benign based on one or more of the following criteria: it is a conservative change, it occurs at a poorly conserved position in the protein, it is predicted to be benign by multiple in silico algorithms, and/or has population frequency not consistent with disease.

Laboratory for Molecular Medicine, Mass General Brigham Personalized Medicine
Classification: Benign. Last evaluated: 2011-09-12. Review status: criteria provided, single submitter. Criteria: LMM Criteria. Collection method: clinical testing. Allele origin: germline. Observed: 45 variant alleles.
Comment: Arg2489Arg in exon 53 of CDH23: This variant is not expected to have clinical si gnificance because it does not alter an amino acid residue, is not located near a splice junction and is listed is dbSNP (rs111033289) with a frequency of 15% ( 18/120 chromosomes) in the East Asian population and 3.9% (49/1256 chromosomes) in the general population.

Breakthrough Genomics
Classification: Likely benign. Review status: criteria provided, single submitter. Criteria: ACMG Guidelines, 2015. Collection method: not provided. Allele origin: germline. Inheritance: Autosomal recessive inheritance. Affected: yes.

Natera, Inc.
Classification: Benign for Usher syndrome type 1. Last evaluated: 2020-09-16. Review status: no assertion criteria provided. Collection method: clinical testing. Allele origin: germline. Not counted in ClinVar's aggregate classification.

Literature cited by the submitters: PubMed 18429043 (cited by Laboratory for Molecular Medicine, Mass General Brigham Personalized Medicine).

NM_022124.6(CDH23):c.7467C>T (p.Arg2489=)

Gene: CDH23 (cadherin related 23; plus strand). Cytogenetic location: 10q22.1.
Variant type: single nucleotide variant.
Coding change: c.7467C>T on transcript NM_022124.6 (MANE Select); coding-DNA position 7467, C replaced by T.
Protein change: p.Arg2489=; no amino-acid change (arginine 2489 retained).
Molecular consequence: synonymous variant.
Genome position (GRCh38, 1-based): chr10:71,800,740, C>T. VCF-style: chr10-71800740-C-T. GRCh37 (hg19) VCF-style: chr10-73560497-C-T.
Other names: p.R2489R:CGC>CGT; c.747C>T, p.Arg249= (NM_001171933.1, NM_001171934.1).
Identifiers: ClinVar variation 46031 (VCV000046031.31), dbSNP rs111033289, ClinGen allele CA137569.
Genomic context (GRCh38, chr10:71,800,740, plus strand): 5'-CCACTATATCCTGACTGCCTTGGCCAAAGACAACCCTGGGGATGTAGCCAGCAACCGTCG[C>T]GAAAATTCAGTGCAGGTGAGGGGTGCCAACCTGGGCCAGGGATGACAGGGACTGGGGTTG-3'
Protein context (NP_071407.4, residues 2479-2499): DNPGDVASNR[Arg2489=]ENSVQVVIQV